The following is an entry in ClinVar:

NM_000093.5(COL5A1):c.1678C>G (p.Pro560Ala)

Gene: COL5A1 (collagen type V alpha 1 chain; plus strand). Cytogenetic location: 9q34.3.
Variant type: single nucleotide variant.
Coding change: c.1678C>G on transcript NM_000093.5 (MANE Select); coding-DNA position 1678, C replaced by G.
Protein change: p.Pro560Ala; replaces proline 560 with alanine.
Molecular consequence: missense variant.
Genome position (GRCh38, 1-based): chr9:134,752,604, C>G. VCF-style: chr9-134752604-C-G. GRCh37 (hg19) VCF-style: chr9-137644450-C-G.
Other names: c.1678C>G, p.Pro560Ala (NM_001278074.1); short protein forms P560A.
Identifiers: ClinVar variation 1390931 (VCV001390931.7), dbSNP rs1321926947, ClinGen allele CA375444215.

ClinVar aggregate classification (germline): Uncertain significance (1 of 4 stars; one submission).

Conditions:
Ehlers-Danlos syndrome, classic type, 1 (EDSCL1). Also called: EHLERS-DANLOS SYNDROME, GRAVIS TYPE; EHLERS-DANLOS SYNDROME, SEVERE CLASSIC TYPE; Ehlers-Danlos syndrome, type 1; Ehlers-Danlos Syndrome, Classic Type, COL5A1-Related; EDS I. Identifiers: MedGen C0268335, MONDO:0019567, OMIM 130000.

Allele frequency attached by ClinVar (database versions not stated): gnomAD 0.00001; TOPMed 0.00002.
gnomAD v4.1: 2 of 1,613,452 alleles (0.00012%); highest among the groups gnomAD compares: African/African-American, 0.0027%; no homozygotes.

Submission:

Labcorp Genetics (formerly Invitae), Labcorp
Classification: Uncertain significance for Ehlers-Danlos syndrome, classic type, 1. Last evaluated: 2021-05-31. Review status: criteria provided, single submitter. Criteria: Invitae Variant Classification Sherloc (09022015). Collection method: clinical testing. Allele origin: germline.
Comment: Algorithms developed to predict the effect of missense changes on protein structure and function are either unavailable or do not agree on the potential impact of this missense change (SIFT: "Tolerated"; PolyPhen-2: "Probably Damaging"; Align-GVGD: "Class C0"). In summary, the available evidence is currently insufficient to determine the role of this variant in disease. Therefore, it has been classified as a Variant of Uncertain Significance. This variant has not been reported in the literature in individuals with COL5A1-related conditions. This variant is not present in population databases (ExAC no frequency). This sequence change replaces proline with alanine at codon 560 of the COL5A1 protein (p.Pro560Ala). The proline residue is highly conserved and there is a small physicochemical difference between proline and alanine.